The following is an entry in ClinVar:

ClinVar aggregate classification (germline): Likely benign. Review status: criteria provided, multiple submitters, no conflicts (2 of 4 stars). 2 submissions from 2 submitters: Likely benign (2). Last evaluated 2025-10-13.

Conditions:
Hypertrophic cardiomyopathy 14. Identifiers: MedGen C2750467, MONDO:0013197, OMIM 613251.

Allele frequency attached by ClinVar (database versions not stated): gnomAD exomes 0.00001 and 0.00003; gnomAD 0.00003 and 0.00004; TOPMed 0.00003; ExAC 0.00005.
gnomAD v4.1: 24 of 1,612,078 alleles (0.0015%); highest among the groups gnomAD compares: Admixed American, 0.0067%; no homozygotes.

Submissions (2):

Labcorp Genetics (formerly Invitae), Labcorp
Classification: Likely benign for Hypertrophic cardiomyopathy 14. Last evaluated: 2025-10-13. Review status: criteria provided, single submitter. Criteria: Invitae Variant Classification Sherloc (09022015). Collection method: clinical testing. Allele origin: germline.

GeneDx
Classification: Likely benign. Last evaluated: 2017-11-08. Review status: criteria provided, single submitter. Criteria: GeneDx Variant Classification (06012015). Collection method: clinical testing. Allele origin: germline. Affected: yes.
Comment: This variant is considered likely benign or benign based on one or more of the following criteria: it is a conservative change, it occurs at a poorly conserved position in the protein, it is predicted to be benign by multiple in silico algorithms, and/or has population frequency not consistent with disease.

NM_002471.4(MYH6):c.4359+20C>T

Gene: MYH6 (myosin heavy chain 6; minus strand). Cytogenetic location: 14q11.2.
Variant type: single nucleotide variant.
Coding change: c.4359+20C>T on transcript NM_002471.4 (MANE Select); 20 bases into the intron after coding-DNA position 4359, C replaced by T.
Molecular consequence: intron variant.
Genome position (GRCh38, 1-based): chr14:23,388,135, G>A on the plus strand (C>T on the coding strand, the complement: MYH6 is on the minus strand). VCF-style: chr14-23388135-G-A. GRCh37 (hg19) VCF-style: chr14-23857344-G-A.
Identifiers: ClinVar variation 513147 (VCV000513147.8), dbSNP rs770770450, ClinGen allele CA7114807.